The following is an entry in ClinVar:

ClinVar aggregate classification (germline): Uncertain significance (1 of 4 stars; one submission).

Conditions:
Aortic aneurysm, familial thoracic 7 (AAT7). Also called: AORTIC DISSECTION, FAMILIAL, WITH OR WITHOUT AORTIC ANEURYSM. Identifiers: MedGen C3151077, MONDO:0013418, OMIM 613780.

Allele frequency attached by ClinVar (database versions not stated): gnomAD exomes below 0.00001.
gnomAD v4.1: 3 of 1,614,154 alleles (0.00019%); highest among the groups gnomAD compares: Non-Finnish European, 0.00025%; no homozygotes.

Submission:

Labcorp Genetics (formerly Invitae), Labcorp
Classification: Uncertain significance for Aortic aneurysm, familial thoracic 7. Last evaluated: 2023-07-26. Review status: criteria provided, single submitter. Criteria: Invitae Variant Classification Sherloc (09022015). Collection method: clinical testing. Allele origin: germline.
Comment: In summary, the available evidence is currently insufficient to determine the role of this variant in disease. Therefore, it has been classified as a Variant of Uncertain Significance. This sequence change replaces glycine, which is neutral and non-polar, with serine, which is neutral and polar, at codon 252 of the MYLK protein (p.Gly252Ser). This variant also falls at the last nucleotide of exon 8, which is part of the consensus splice site for this exon. This variant is not present in population databases (gnomAD no frequency). This variant has not been reported in the literature in individuals affected with MYLK-related conditions. An algorithm developed to predict the effect of missense changes on protein structure and function (PolyPhen-2) suggests that this variant is likely to be disruptive. Variants that disrupt the consensus splice site are a relatively common cause of aberrant splicing (PMID: 17576681, 9536098). Algorithms developed to predict the effect of sequence changes on RNA splicing suggest that this variant may disrupt the consensus splice site.

Literature cited by the submitters: PubMed 17576681; PubMed 9536098.

NM_053025.4(MYLK):c.754G>A (p.Gly252Ser)

Gene: MYLK (myosin light chain kinase; minus strand). Cytogenetic location: 3q21.1.
Variant type: single nucleotide variant.
Coding change: c.754G>A on transcript NM_053025.4 (MANE Select); coding-DNA position 754, G replaced by A.
Protein change: p.Gly252Ser; replaces glycine 252 with serine.
Molecular consequence: missense variant.
Genome position (GRCh38, 1-based): chr3:123,737,378, C>T on the plus strand (G>A on the coding strand, the complement: MYLK is on the minus strand). VCF-style: chr3-123737378-C-T. GRCh37 (hg19) VCF-style: chr3-123456225-C-T.
Other names: c.226G>A, p.Gly76Ser (NM_001321309.2); c.754G>A, p.Gly252Ser (NM_053026.4, NM_053027.4, NM_053028.4); short protein forms G76S, G252S.
Identifiers: ClinVar variation 2730621 (VCV002730621.3), dbSNP rs1016351104, ClinGen allele CA82944620.
Genomic context (GRCh38, chr3:123,737,378, plus strand): 5'-TCTAGGAGGGTGCGGCACCAGGCAGGGATCGTTCTGCACTAGCCGTCCACTGGTCGATAC[C>T]TTGGATGGAAAGTTCAGCTGACATCGAGGCCTTCCCCGACCCGTTCACCACCAGGCACGT-3'
Protein context (NP_444253.3, residues 242-262): ASMSAELSIQ[Gly252Ser]LDSANRSFVR